The following is an entry in ClinVar:

NM_003072.5(SMARCA4):c.1014G>C (p.Gln338His)

Gene: SMARCA4 (SWI/SNF related BAF chromatin remodeling complex subunit ATPase 4; plus strand). Cytogenetic location: 19p13.2.
Variant type: single nucleotide variant.
Coding change: c.1014G>C on transcript NM_003072.5 (MANE Select); coding-DNA position 1014, G replaced by C.
Protein change: p.Gln338His; replaces glutamine 338 with histidine.
Molecular consequence: missense variant. On other transcripts: non-coding transcript variant (1).
Genome position (GRCh38, 1-based): chr19:10,987,820, G>C. VCF-style: chr19-10987820-G-C. GRCh37 (hg19) VCF-style: chr19-11098496-G-C.
Other names: c.1014G>C, p.Gln338His (NM_001128844.3, NM_001128845.2, NM_001128846.2 and 4 more transcripts); short protein forms Q338H.
Identifiers: ClinVar variation 1018926 (VCV001018926.10), dbSNP rs2086195287, ClinGen allele CA404058636.

ClinVar aggregate classification (germline): Uncertain significance (1 of 4 stars; one submission).

Conditions:
Rhabdoid tumor predisposition syndrome 2 (RTPS2). Identifiers: Orphanet 231108, Orphanet 69077, MedGen C2750074, MONDO:0013224, OMIM 613325.

Submission:

Labcorp Genetics (formerly Invitae), Labcorp
Classification: Uncertain significance for Rhabdoid tumor predisposition syndrome 2. Last evaluated: 2022-08-16. Review status: criteria provided, single submitter. Criteria: Invitae Variant Classification Sherloc (09022015). Collection method: clinical testing. Allele origin: germline.
Comment: This variant is not present in population databases (gnomAD no frequency). This sequence change replaces glutamine, which is neutral and polar, with histidine, which is basic and polar, at codon 338 of the SMARCA4 protein (p.Gln338His). This variant has not been reported in the literature in individuals affected with SMARCA4-related conditions. In summary, the available evidence is currently insufficient to determine the role of this variant in disease. Therefore, it has been classified as a Variant of Uncertain Significance. Algorithms developed to predict the effect of missense changes on protein structure and function are either unavailable or do not agree on the potential impact of this missense change (SIFT: "Deleterious"; PolyPhen-2: "Possibly Damaging"; Align-GVGD: "Class C15"). ClinVar contains an entry for this variant (Variation ID: 1018926).